The following is an entry in ClinVar:

ClinVar aggregate classification (germline): Pathogenic (1 of 4 stars; one submission).

Conditions:
ADPRHL2-related disorder.

Allele frequency attached by ClinVar (database versions not stated): ExAC 0.00001; TOPMed 0.00012; gnomAD exomes below 0.00001 and 0.00001; 1000 Genomes Project 30x 0.00016; gnomAD 0.00004.

Submission:

GeneDx
Classification: Pathogenic. Last evaluated: 2026-04-22. Review status: criteria provided, single submitter. Criteria: GeneDx Variant Classification Process June 2021. Collection method: clinical testing. Allele origin: germline.
Comment: Frameshift variant predicted to result in protein truncation in a gene for which loss of function is a known mechanism of disease; This variant is associated with the following publications: (PMID: 30830864)

NM_017825.3(ADPRS):c.340_341del (p.Arg114fs)

Gene: ADPRS (ADP-ribosylserine hydrolase; plus strand). Cytogenetic location: 1p34.3.
Variant type: Deletion.
Coding change: c.340_341del on transcript NM_017825.3 (MANE Select); coding-DNA positions 340 to 341, 2 bases deleted (AG; older notation c.340_341delAG).
Protein change: p.Arg114fs; shifts the reading frame from arginine 114.
Molecular consequence: frameshift variant.
Genome position (GRCh38, 1-based): chr1:36,091,649-36,091,650, AG deleted. VCF-style (leftmost placement, unchanged base first): chr1-36091648-CAG-C. GRCh37 (hg19) VCF-style: chr1-36557249-CAG-C.
Other names: c.340_341delAG (NM_017825.2); c.340_341del (NM_017825.2); short protein forms R114fs.
Identifiers: ClinVar variation 1339799 (VCV001339799.4), dbSNP rs768832709, ClinGen allele CA764555.
Genomic context (GRCh38, chr1:36,091,648, plus strand): 5'-CTGAATTCTGTCTCCCCTTCTGTTCCCTAGATTTGCTCAGGAGTACAAGAAAGACCCTGA[CAG>C]GGGCTATGGTGCTGGAGTAGTCACTGTCTTCAAGAAGCTCCTGAACCCCAAATGTCGCGA-3'